The following is an entry in ClinVar:

ClinVar aggregate classification (germline): Uncertain significance (1 of 4 stars; one submission).

Conditions:
Congenital myasthenic syndrome 5. Identifiers: Orphanet 590, MedGen C1864233, MONDO:0011281, OMIM 603034.

Submission:

Labcorp Genetics (formerly Invitae), Labcorp
Classification: Uncertain significance for Congenital myasthenic syndrome 5. Last evaluated: 2022-03-03. Review status: criteria provided, single submitter. Criteria: Invitae Variant Classification Sherloc (09022015). Collection method: clinical testing. Allele origin: germline.
Comment: This sequence change replaces methionine, which is neutral and non-polar, with leucine, which is neutral and non-polar, at codon 83 of the COLQ protein (p.Met83Leu). In summary, the available evidence is currently insufficient to determine the role of this variant in disease. Therefore, it has been classified as a Variant of Uncertain Significance. Algorithms developed to predict the effect of missense changes on protein structure and function output the following: SIFT: "Tolerated"; PolyPhen-2: "Benign"; Align-GVGD: "Class C0". The leucine amino acid residue is found in multiple mammalian species, which suggests that this missense change does not adversely affect protein function. ClinVar contains an entry for this variant (Variation ID: 646994). This variant has not been reported in the literature in individuals affected with COLQ-related conditions. This variant is not present in population databases (gnomAD no frequency).

NM_005677.4(COLQ):c.247A>T (p.Met83Leu)

Gene: COLQ (collagen like tail subunit of asymmetric acetylcholinesterase; minus strand). Cytogenetic location: 3p25.1.
Variant type: single nucleotide variant.
Coding change: c.247A>T on transcript NM_005677.4 (MANE Select); coding-DNA position 247, A replaced by T.
Protein change: p.Met83Leu; replaces methionine 83 with leucine.
Molecular consequence: missense variant. On other transcripts: intron variant (1).
Genome position (GRCh38, 1-based): chr3:15,488,280, T>A on the plus strand (A>T on the coding strand, the complement: COLQ is on the minus strand). VCF-style: chr3-15488280-T-A. GRCh37 (hg19) VCF-style: chr3-15529787-T-A.
Other names: c.217A>T, p.Met73Leu (NM_080538.2); c.219+1245A>T (NM_080539.4); short protein forms M73L, M83L.
Identifiers: ClinVar variation 646994 (VCV000646994.8), dbSNP rs1575482990, ClinGen allele CA351601237.